The following is an entry in ClinVar:

NM_001354604.2(MITF):c.505A>C (p.Met169Leu)

Gene: MITF (melanocyte inducing transcription factor; plus strand). Cytogenetic location: 3p13.
Variant type: single nucleotide variant.
Coding change: c.505A>C on transcript NM_001354604.2 (MANE Select); coding-DNA position 505, A replaced by C.
Protein change: p.Met169Leu; replaces methionine 169 with leucine.
Molecular consequence: missense variant. On other transcripts: intron variant (1).
Genome position (GRCh38, 1-based): chr3:69,937,972, A>C. VCF-style: chr3-69937972-A-C. GRCh37 (hg19) VCF-style: chr3-69987123-A-C.
Other names: c.184A>C, p.Met62Leu (NM_000248.4, NM_001184968.2, NM_198158.3); c.349A>C, p.Met117Leu (NM_001184967.2, NM_001354608.2); c.502A>C, p.Met168Leu (NM_001354605.2, NM_001354606.2, NM_006722.3); c.454A>C, p.Met152Leu (NM_001354607.2); c.505A>C, p.Met169Leu (NM_198159.3); c.457A>C, p.Met153Leu (NM_198177.3); c.93+91A>C (NM_198178.3); short protein forms M117L, M152L, M153L, M168L, M169L, M62L.
Identifiers: ClinVar variation 1717576 (VCV001717576.7), dbSNP rs143224466, ClinGen allele CA77000568.
Genomic context (GRCh38, chr3:69,937,972, plus strand): 5'-AATAAACATGCCAACCAAGTCCTGAGCTTGCCATGTCCAAACCAGCCTGGCGATCATGTC[A>C]TGCCACCGGTGCCGGGGAGCAGCGCACCCAACAGCCCCATGGCTATGCTTACGCTTAACT-3'
Protein context (NP_001341533.1, residues 159-179): PCPNQPGDHV[Met169Leu]PPVPGSSAPN

ClinVar aggregate classification (germline): Uncertain significance. Review status: criteria provided, multiple submitters, no conflicts (2 of 4 stars). 3 submissions from 3 submitters: Uncertain significance (3). Last evaluated 2025-10-23.

Conditions:
Hereditary cancer-predisposing syndrome. Also called: Hereditary neoplastic syndrome; Neoplastic Syndromes, Hereditary; Hereditary Cancer Syndrome; Tumor predisposition. Identifiers: Orphanet 140162, MedGen C0027672, MeSH D009386, MONDO:0015356.
Tietz syndrome (TADS). Also called: ALBINISM-DEAFNESS OF TIETZ; HYPOPIGMENTATION/DEAFNESS OF TIETZ; TIETZ ALBINISM-DEAFNESS SYNDROME. Identifiers: Orphanet 42665, MedGen C0391816, MONDO:0007077, OMIM 103500.
Waardenburg syndrome type 2A (WS2A). Also called: WAARDENBURG SYNDROME WITHOUT DYSTOPIA CANTHORUM. Identifiers: Orphanet 3440, MedGen C1860339, MONDO:0008671, OMIM 193510.
Melanoma, cutaneous malignant, susceptibility to, 8. Also called: MELANOMA AND RENAL CELL CARCINOMA, SUSCEPTIBILITY TO; Cutaneous malignant melanoma 8. Identifiers: Orphanet 293822, MedGen C3152204, MONDO:0013759, OMIM 614456.

Allele frequency attached by ClinVar (database versions not stated): ESP Exome Variant Server 0.00008.

Submissions (3):

Labcorp Genetics (formerly Invitae), Labcorp
Classification: Uncertain significance for Melanoma, cutaneous malignant, susceptibility to, 8; Waardenburg syndrome type 2A; Tietz syndrome. Last evaluated: 2025-10-23. Review status: criteria provided, single submitter. Criteria: Invitae Variant Classification Sherloc (09022015). Collection method: clinical testing. Allele origin: germline.
Comment: This sequence change replaces methionine, which is neutral and non-polar, with leucine, which is neutral and non-polar, at codon 62 of the MITF protein (p.Met62Leu). This variant is present in population databases (rs143224466, gnomAD 0.007%). This variant has not been reported in the literature in individuals affected with MITF-related conditions. ClinVar contains an entry for this variant (Variation ID: 1717576). Invitae Evidence Modeling of protein sequence and biophysical properties (such as structural, functional, and spatial information, amino acid conservation, physicochemical variation, residue mobility, and thermodynamic stability) indicates that this missense variant is not expected to disrupt MITF protein function with a negative predictive value of 80%. In summary, the available evidence is currently insufficient to determine the role of this variant in disease. Therefore, it has been classified as a Variant of Uncertain Significance.

Ambry Genetics
Classification: Uncertain significance for Hereditary cancer-predisposing syndrome. Last evaluated: 2025-01-06. Review status: criteria provided, single submitter. Criteria: Ambry Variant Classification Scheme 2023. Collection method: clinical testing. Allele origin: germline.
Comment: The p.M62L variant (also known as c.184A>C), located in coding exon 2 of the MITF gene, results from an A to C substitution at nucleotide position 184. The methionine at codon 62 is replaced by leucine, an amino acid with highly similar properties. This amino acid position is conserved. In addition, this alteration is predicted to be tolerated by in silico analysis. Based on the available evidence, the clinical significance of this variant remains unclear.

GeneDx
Classification: Uncertain significance. Last evaluated: 2022-10-31. Review status: criteria provided, single submitter. Criteria: GeneDx Variant Classification Process June 2021. Collection method: clinical testing. Allele origin: germline. Affected: yes.
Comment: In silico analysis supports that this missense variant does not alter protein structure/function; Has not been previously published as pathogenic or benign to our knowledge